The following is an entry in ClinVar:

NM_032608.7(MYO18B):c.7300G>A (p.Glu2434Lys)

Gene: MYO18B (myosin XVIIIB; plus strand). Cytogenetic location: 22q12.1.
Variant type: single nucleotide variant.
Coding change: c.7300G>A on transcript NM_032608.7 (MANE Select); coding-DNA position 7300, G replaced by A.
Protein change: p.Glu2434Lys; replaces glutamic acid 2434 with lysine.
Molecular consequence: missense variant.
Genome position (GRCh38, 1-based): chr22:26,027,274, G>A. VCF-style: chr22-26027274-G-A. GRCh37 (hg19) VCF-style: chr22-26423240-G-A.
Other names: c.7303G>A, p.Glu2435Lys (NM_001318245.2); short protein forms E2434K, E2435K.
Identifiers: ClinVar variation 1500813 (VCV001500813.6), dbSNP rs983088938, ClinGen allele CA322815937.

ClinVar aggregate classification (germline): Uncertain significance (1 of 4 stars; one submission).

Allele frequency attached by ClinVar (database versions not stated): gnomAD exomes below 0.00001.
gnomAD v4.1: 3 of 1,613,992 alleles (0.00019%); highest among the groups gnomAD compares: South Asian, 0.0011%; no homozygotes.

Submission:

Labcorp Genetics (formerly Invitae), Labcorp
Classification: Uncertain significance. Last evaluated: 2021-08-03. Review status: criteria provided, single submitter. Criteria: Invitae Variant Classification Sherloc (09022015). Collection method: clinical testing. Allele origin: germline.
Comment: In summary, the available evidence is currently insufficient to determine the role of this variant in disease. Therefore, it has been classified as a Variant of Uncertain Significance. Algorithms developed to predict the effect of missense changes on protein structure and function output the following: SIFT: "Not Available"; PolyPhen-2: "Benign"; Align-GVGD: "Not Available". The lysine amino acid residue is found in multiple mammalian species, which suggests that this missense change does not adversely affect protein function. This variant has not been reported in the literature in individuals affected with MYO18B-related conditions. This variant is not present in population databases (ExAC no frequency). This sequence change replaces glutamic acid with lysine at codon 2434 of the MYO18B protein (p.Glu2434Lys). The glutamic acid residue is weakly conserved and there is a small physicochemical difference between glutamic acid and lysine.